The following is an entry in ClinVar:

NM_138295.5(PKD1L1):c.4590+8C>T

Gene: PKD1L1 (polycystin 1 like 1, transient receptor potential channel interacting; minus strand). Cytogenetic location: 7p12.3.
Variant type: single nucleotide variant.
Coding change: c.4590+8C>T on transcript NM_138295.5 (MANE Select); 8 bases into the intron after coding-DNA position 4590, C replaced by T.
Molecular consequence: intron variant.
Genome position (GRCh38, 1-based): chr7:47,857,597, G>A on the plus strand (C>T on the coding strand, the complement: PKD1L1 is on the minus strand). VCF-style: chr7-47857597-G-A. GRCh37 (hg19) VCF-style: chr7-47897195-G-A.
Identifiers: ClinVar variation 3057844 (VCV003057844.2), dbSNP rs1441183091, ClinGen allele CA574694410.

ClinVar aggregate classification (germline): Likely benign (0 of 4 stars; one submission).

Conditions:
PKD1L1-related disorder. Also called: PKD1L1-related condition.

Allele frequency attached by ClinVar (database versions not stated): TOPMed below 0.00001; gnomAD exomes 0.00001.
gnomAD v4.1: 6 of 1,610,246 alleles (0.00037%); highest among the groups gnomAD compares: Admixed American, 0.01%; no homozygotes.

Submission:

PreventionGenetics, part of Exact Sciences
Classification: Likely benign for PKD1L1-related condition. Last evaluated: 2021-08-17. Review status: no assertion criteria provided. Collection method: clinical testing. Allele origin: germline.
Comment: This variant is classified as likely benign based on ACMG/AMP sequence variant interpretation guidelines (Richards et al. 2015 PMID: 25741868, with internal and published modifications).